The following is an entry in ClinVar:

NM_004453.4(ETFDH):c.1652C>A (p.Ser551Ter)

Gene: ETFDH (electron transfer flavoprotein dehydrogenase; plus strand). Cytogenetic location: 4q32.1.
Variant type: single nucleotide variant.
Coding change: c.1652C>A on transcript NM_004453.4 (MANE Select); coding-DNA position 1652, C replaced by A.
Protein change: p.Ser551Ter; replaces serine 551 with a stop codon.
Molecular consequence: nonsense.
Genome position (GRCh38, 1-based): chr4:158,706,812, C>A. VCF-style: chr4-158706812-C-A. GRCh37 (hg19) VCF-style: chr4-159627964-C-A.
Other names: c.1511C>A, p.Ser504Ter (NM_001281737.2); c.1469C>A, p.Ser490Ter (NM_001281738.1); short protein forms S490*, S504*, S551*.
Identifiers: ClinVar variation 1805118 (VCV001805118.9), dbSNP rs772351035, ClinGen allele CA358565115.

ClinVar aggregate classification (germline): Pathogenic/Likely pathogenic. Review status: criteria provided, multiple submitters, no conflicts (2 of 4 stars). 3 submissions from 3 submitters: Pathogenic (2); Likely pathogenic (1). Last evaluated 2024-10-16.

Conditions:
Multiple acyl-CoA dehydrogenase deficiency (MADD). Also called: Glutaric Acidemia type 2; ETHYLMALONIC-ADIPICACIDURIA; GA II; Glutaric aciduria, type 2; Glutaric acidemia type II; GA 2. Identifiers: Orphanet 26791, MedGen C0268596, MONDO:0009282, OMIM 231680.

Submissions (3):

Victorian Clinical Genetics Services, Murdoch Childrens Research Institute
Classification: Pathogenic for Multiple acyl-CoA dehydrogenase deficiency. Last evaluated: 2024-10-16. Review status: criteria provided, single submitter. Criteria: ACMG Guidelines, 2015. Collection method: clinical testing. Allele origin: germline.
Comment: This variant is classified as Pathogenic. Evidence in support of pathogenic classification: Variant is predicted to result in a truncated protein (premature termination codon is NOT located at least 54 nucleotides upstream of the final exon-exon junction) with less than 1/3 of the protein sequence affected; Variant is absent from gnomAD (v2, v3 and v4); This variant has limited previous evidence of pathogenicity in an unrelated individual(s). This variant has been classified as likely pathogenic and pathogenic by clinical laboratories in ClinVar; Other protein truncating variants comparable to the one identified in this case have very strong previous evidence for pathogenicity (DECIPHER, ClinVar, PMIDs: 18289905, 24357026, 21907580). Additional information: This variant is heterozygous; This gene is associated with autosomal recessive disease; Variant is located in the annotated electron transfer flavoprotein-ubiquinone oxidoreductase, 4Fe-4S (DECIPHER); Loss of function is a known mechanism of disease in this gene and is associated with glutaric acidemia type IIC or multiple acyl-CoA dehydrogenase deficiency (MADD) (MIM#231680); Variants in this gene are known to have variable expressivity and can present with high variability in age and severity of symptoms (OMIM, PMID: 33823724, 25200064).

Baylor Genetics
Classification: Likely pathogenic for Multiple acyl-CoA dehydrogenase deficiency. Last evaluated: 2023-08-30. Review status: criteria provided, single submitter. Criteria: ACMG Guidelines, 2015. Collection method: clinical testing. Allele origin: unknown.

Labcorp Genetics (formerly Invitae), Labcorp
Classification: Pathogenic for Multiple acyl-CoA dehydrogenase deficiency. Last evaluated: 2022-11-01. Review status: criteria provided, single submitter. Criteria: Invitae Variant Classification Sherloc (09022015). Collection method: clinical testing. Allele origin: germline.
Comment: This sequence change creates a premature translational stop signal (p.Ser551*) in the ETFDH gene. While this is not anticipated to result in nonsense mediated decay, it is expected to disrupt the last 67 amino acid(s) of the ETFDH protein. This variant is not present in population databases (gnomAD no frequency). This variant has not been reported in the literature in individuals affected with ETFDH-related conditions. This variant disrupts a region of the ETFDH protein in which other variant(s) (p.Gly611Glu) have been determined to be pathogenic (PMID: 12359134). This suggests that this is a clinically significant region of the protein, and that variants that disrupt it are likely to be disease-causing. For these reasons, this variant has been classified as Pathogenic.

Literature cited by the submitters: PubMed 33823724 (cited by Victorian Clinical Genetics Services, Murdoch Childrens Research Institute); PubMed 21907580 (cited by Victorian Clinical Genetics Services, Murdoch Childrens Research Institute); PubMed 24357026 (cited by Victorian Clinical Genetics Services, Murdoch Childrens Research Institute); PubMed 25200064 (cited by Victorian Clinical Genetics Services, Murdoch Childrens Research Institute); PubMed 18289905 (cited by Victorian Clinical Genetics Services, Murdoch Childrens Research Institute); PubMed 12359134 (cited by Labcorp Genetics (formerly Invitae), Labcorp).